The following is an entry in ClinVar:

ClinVar aggregate classification (germline): Uncertain significance (1 of 4 stars; one submission).

Conditions:
Charcot-Marie-Tooth disease axonal type 2V. Also called: CHARCOT-MARIE-TOOTH NEUROPATHY, TYPE 2V; CHARCOT-MARIE-TOOTH DISEASE, AXONAL, AUTOSOMAL DOMINANT, TYPE 2V. Identifiers: Orphanet 447964, MedGen C5569050, MONDO:0014665, OMIM 616491.
Mucopolysaccharidosis, MPS-III-B (MPS3B). Also called: N-ACETYL-ALPHA-D-GLUCOSAMINIDASE DEFICIENCY; NAGLU DEFICIENCY; SANFILIPPO SYNDROME B; MPS III B; MUCOPOLYSACCHARIDOSIS, TYPE IIIB; MPS IIIB (Sanfilippo Syndrome Type B). Identifiers: Orphanet 79270, MedGen C0086648, MONDO:0009656, OMIM 252920.

Allele frequency attached by ClinVar (database versions not stated): gnomAD 0.00001; gnomAD exomes 0.00002; TOPMed 0.00002.
gnomAD v4.1: 6 of 1,255,536 alleles (0.00048%); highest among the groups gnomAD compares: Admixed American, 0.015%; no homozygotes.

Submission:

Labcorp Genetics (formerly Invitae), Labcorp
Classification: Uncertain significance for Charcot-Marie-Tooth disease axonal type 2V; Mucopolysaccharidosis, MPS-III-B. Last evaluated: 2022-05-10. Review status: criteria provided, single submitter. Criteria: Invitae Variant Classification Sherloc (09022015). Collection method: clinical testing. Allele origin: germline.
Comment: This sequence change replaces alanine, which is neutral and non-polar, with threonine, which is neutral and polar, at codon 55 of the NAGLU protein (p.Ala55Thr). The frequency data for this variant in the population databases is considered unreliable, as metrics indicate poor data quality at this position in the gnomAD database. This variant has not been reported in the literature in individuals affected with NAGLU-related conditions. Advanced modeling of protein sequence and biophysical properties (such as structural, functional, and spatial information, amino acid conservation, physicochemical variation, residue mobility, and thermodynamic stability) performed at Invitae indicates that this missense variant is not expected to disrupt NAGLU protein function. In summary, the available evidence is currently insufficient to determine the role of this variant in disease. Therefore, it has been classified as a Variant of Uncertain Significance.

NM_000263.4(NAGLU):c.163G>A (p.Ala55Thr)

Genes: NAGLU (N-acetyl-alpha-glucosaminidase; plus strand), LOC130060903 (ATAC-STARR-seq lymphoblastoid silent region 8533; plus strand). Cytogenetic location: 17q21.2.
Variant type: single nucleotide variant.
Coding change: c.163G>A on transcript NM_000263.4 (MANE Select); coding-DNA position 163, G replaced by A.
Protein change: p.Ala55Thr; replaces alanine 55 with threonine.
Molecular consequence: missense variant.
Genome position (GRCh38, 1-based): chr17:42,536,435, G>A. VCF-style: chr17-42536435-G-A. GRCh37 (hg19) VCF-style: chr17-40688453-G-A.
Other names: short protein forms A55T.
Identifiers: ClinVar variation 2169665 (VCV002169665.1), dbSNP rs1384289050, ClinGen allele CA399595478.